The following is an entry in ClinVar:

ClinVar aggregate classification (germline): Uncertain significance. Review status: criteria provided, multiple submitters, no conflicts (2 of 4 stars). 3 submissions from 3 submitters: Uncertain significance (3). Last evaluated 2025-03-17.

Conditions:
Inborn genetic diseases. Identifiers: MedGen C0950123, MeSH D030342.
Hereditary spastic paraplegia 2 (SPG2). Also called: SPASTIC PARAPLEGIA 2, X-LINKED; Spastic Paraplegia 2 (SPG2). Identifiers: Orphanet 99015, MedGen C0751604, MONDO:0010733, OMIM 312920.

Allele frequency attached by ClinVar (database versions not stated): gnomAD exomes below 0.00001; TOPMed below 0.00001.
gnomAD v4.1: 1 of 1,209,864 alleles (0.000083%); no homozygotes.

Submissions (3):

Ambry Genetics
Classification: Uncertain significance for Inborn genetic diseases. Last evaluated: 2025-03-17. Review status: criteria provided, single submitter. Criteria: Ambry Variant Classification Scheme 2023. Collection method: clinical testing. Allele origin: germline.

Labcorp Genetics (formerly Invitae), Labcorp
Classification: Uncertain significance for Hereditary spastic paraplegia 2. Last evaluated: 2022-10-17. Review status: criteria provided, single submitter. Criteria: Invitae Variant Classification Sherloc (09022015). Collection method: clinical testing. Allele origin: germline.
Comment: This sequence change replaces valine, which is neutral and non-polar, with leucine, which is neutral and non-polar, at codon 29 of the PLP1 protein (p.Val29Leu). This variant is not present in population databases (gnomAD no frequency). This missense change has been observed in individual(s) with clinical features of PLP1-related conditions (Invitae). ClinVar contains an entry for this variant (Variation ID: 938189). Advanced modeling of protein sequence and biophysical properties (such as structural, functional, and spatial information, amino acid conservation, physicochemical variation, residue mobility, and thermodynamic stability) performed at Invitae indicates that this missense variant is not expected to disrupt PLP1 protein function. In summary, the available evidence is currently insufficient to determine the role of this variant in disease. Therefore, it has been classified as a Variant of Uncertain Significance.

GeneDx
Classification: Uncertain significance. Last evaluated: 2019-11-22. Review status: criteria provided, single submitter. Criteria: GeneDx Variant Classification Process June 2021. Collection method: clinical testing. Allele origin: germline. Affected: yes.
Comment: Not observed in large population cohorts (Lek et al., 2016); In silico analysis, which includes protein predictors and evolutionary conservation, supports that this variant does not alter protein structure/function; Has not been previously published as pathogenic or benign to our knowledge; Missense variants in nearby residues reported in the Human Gene Mutation Database (Stenson et al., 2014)

NM_000533.5(PLP1):c.85G>T (p.Val29Leu)

Genes: RAB9B (RAB9B, member RAS oncogene family; minus strand), PLP1 (proteolipid protein 1; plus strand). Cytogenetic location: Xq22.2.
Variant type: single nucleotide variant.
Coding change: c.85G>T on transcript NM_000533.5 (MANE Select); coding-DNA position 85, G replaced by T.
Protein change: p.Val29Leu; replaces valine 29 with leucine.
Molecular consequence: missense variant. On other transcripts: intron variant (1).
Genome position (GRCh38, 1-based): chrX:103,785,662, G>T. VCF-style: chrX-103785662-G-T. GRCh37 (hg19) VCF-style: chrX-103040591-G-T.
Other names: c.85G>T, p.Val29Leu (NM_001128834.3, NM_199478.3); c.5-85G>T (NM_001305004.1); short protein forms V29L.
Identifiers: ClinVar variation 938189 (VCV000938189.9), dbSNP rs1376158201, ClinGen allele CA414102007.